The following is an entry in ClinVar:

ClinVar aggregate classification (germline): Uncertain significance (1 of 4 stars; one submission).

Submission:

Ambry Genetics
Classification: Uncertain significance. Last evaluated: 2021-12-10. Review status: criteria provided, single submitter. Criteria: Ambry Variant Classification Scheme 2023. Collection method: clinical testing. Allele origin: germline.
Comment: The p.N205I variant (also known as c.614A>T), located in coding exon 4 of the MNDA gene, results from an A to T substitution at nucleotide position 614. The asparagine at codon 205 is replaced by isoleucine, an amino acid with dissimilar properties. This amino acid position is conserved. In addition, this alteration is predicted to be tolerated by in silico analysis. Since supporting evidence is limited at this time, the clinical significance of this alteration remains unclear.

NM_002432.3(MNDA):c.614A>T (p.Asn205Ile)

Gene: MNDA (myeloid cell nuclear differentiation antigen; plus strand). Cytogenetic location: 1q23.1.
Variant type: single nucleotide variant.
Coding change: c.614A>T on transcript NM_002432.3 (MANE Select); coding-DNA position 614, A replaced by T.
Protein change: p.Asn205Ile; replaces asparagine 205 with isoleucine.
Molecular consequence: missense variant.
Genome position (GRCh38, 1-based): chr1:158,845,630, A>T. VCF-style: chr1-158845630-A-T. GRCh37 (hg19) VCF-style: chr1-158815420-A-T.
Other names: short protein forms N205I.
Identifiers: ClinVar variation 1751868 (VCV001751868.2), dbSNP rs1046005233, ClinGen allele CA343040769.